The following is an entry in ClinVar:

NM_001273.5(CHD4):c.4060+2TG[3]

Genes: CHD4 (chromodomain helicase DNA binding protein 4; minus strand), CHD4-AS1 (CHD4 antisense RNA 1; plus strand). Cytogenetic location: 12p13.31.
Variant type: Microsatellite.
Coding change: c.4060+2TG[3] on transcript NM_001273.5 (MANE Select); three copies in a row of the 2-base unit TG starting at c.4060+2; the reference has four copies in a row; one copy, 2 bases deleted.
Molecular consequence: splice donor variant. On other transcripts: non-coding transcript variant (2).
Genome position (GRCh38, 1-based): chr12:6,583,189-6,583,190, CA deleted on the plus strand (TG on the coding strand, the reverse complement: CHD4 is on the minus strand); deleting any 2 consecutive bases within chr12:6,583,189-6,583,197 gives the same sequence; the position shown is the placement nearest the transcript's 3' end. VCF-style (leftmost placement, unchanged base first): chr12-6583188-CCA-C. GRCh37 (hg19) VCF-style: chr12-6692354-CCA-C.
Other names: c.4021+2TG[3] (NM_001363606.2); c.4039+2TG[3] (NM_001297553.2).
Identifiers: ClinVar variation 4082868 (VCV004082868.1).

ClinVar aggregate classification (germline): Uncertain significance (1 of 4 stars; one submission).

Submission:

GeneDx
Classification: Uncertain significance. Last evaluated: 2025-03-07. Review status: criteria provided, single submitter. Criteria: GeneDx Variant Classification Process June 2021. Collection method: clinical testing. Allele origin: germline. Affected: yes.
Comment: Not observed at significant frequency in large population cohorts (gnomAD); In silico analysis indicates that this variant does not alter splicing; Has not been previously published as pathogenic or benign to our knowledge